The following is an entry in ClinVar:

ClinVar aggregate classification (germline): Likely benign (1 of 4 stars; one submission).

gnomAD v4.1: 12 of 1,614,082 alleles (0.00074%); highest among the groups gnomAD compares: Admixed American, 0.0017%; no homozygotes.

Submission:

CeGaT Center for Human Genetics Tuebingen
Classification: Likely benign. Last evaluated: 2025-08-01. Review status: criteria provided, single submitter. Criteria: CeGaT Center For Human Genetics Tuebingen Variant Classification Criteria Version 2. Collection method: clinical testing. Allele origin: germline. Affected: yes. Observed: 1 variant allele.
Comment: VPS33B: BP4, BP7

NM_018668.5(VPS33B):c.1731A>G (p.Thr577=)

Gene: VPS33B (VPS33B late endosome and lysosome associated; minus strand). Cytogenetic location: 15q26.1.
Variant type: single nucleotide variant.
Coding change: c.1731A>G on transcript NM_018668.5 (MANE Select); coding-DNA position 1731, A replaced by G.
Protein change: p.Thr577=; no amino-acid change (threonine 577 retained).
Molecular consequence: synonymous variant.
Genome position (GRCh38, 1-based): chr15:90,999,720, T>C on the plus strand (A>G on the coding strand, the complement: VPS33B is on the minus strand). VCF-style: chr15-90999720-T-C. GRCh37 (hg19) VCF-style: chr15-91542950-T-C.
Other names: c.1650A>G, p.Thr550= (NM_001289148.1); c.1458A>G, p.Thr486= (NM_001289149.1).
Identifiers: ClinVar variation 4084810 (VCV004084810.8).
Genomic context (GRCh38, chr15:90,999,720, plus strand): 5'-TTTCTGCTCTCTCTTACCTTTCTCTCTGCCCAGGAACCGGAGGGCTGAGATCTCAGAGAA[T>C]GTACAACCACCCAAGAACACCACCAAGATGAGGCGCAGGGACTCACTGGAAGCCTTGTCT-3'
Protein context (NP_061138.3, residues 567-587): LILVVFLGGC[Thr577=]FSEISALRFL